The following is an entry in ClinVar:

ClinVar aggregate classification (germline): Likely pathogenic (1 of 4 stars; one submission).

Conditions:
Generalized epilepsy with febrile seizures plus, type 2 (GEFSP2). Also called: GEFS+, TYPE 2. Identifiers: Orphanet 36387, MedGen C1858673, MONDO:0011461, OMIM 604403.

Submission:

Dasa
Classification: Likely pathogenic for Generalized epilepsy with febrile seizures plus, type 2. Last evaluated: 2022-02-14. Review status: criteria provided, single submitter. Criteria: ACMG Guidelines, 2015. Collection method: clinical testing. Allele origin: germline. Affected: yes. Observed: 1 variant allele.
Comment: The c.2542G>T;p.(Gly848*) is a null frameshift variant in the SCN1A gene and predicts alteration of the nonsense-mediate decay - NMD is present in a relevant exon to the transcript -PVS1. This variant is not present in population databases (rs1553542262, gnomAD; ABraOM no frequency) - PM2. In summary, the currently available evidence indicates that the variant is likely pathogenic.

NM_001165963.4(SCN1A):c.2542G>T (p.Gly848Ter)

Gene: SCN1A (sodium voltage-gated channel alpha subunit 1; minus strand). Cytogenetic location: 2q24.3.
Variant type: single nucleotide variant.
Coding change: c.2542G>T on transcript NM_001165963.4 (MANE Select); coding-DNA position 2542, G replaced by T.
Protein change: p.Gly848Ter; replaces glycine 848 with a stop codon.
Molecular consequence: nonsense. On other transcripts: non-coding transcript variant (1).
Genome position (GRCh38, 1-based): chr2:166,039,470, C>A on the plus strand (G>T on the coding strand, the complement: SCN1A is on the minus strand). VCF-style: chr2-166039470-C-A. GRCh37 (hg19) VCF-style: chr2-166895980-C-A.
Other names: c.2458G>T, p.Gly820Ter (NM_001165964.3, NM_001353957.2, NM_001353958.2); c.2542G>T, p.Gly848Ter (NM_001202435.3, NM_001353948.2); c.2509G>T, p.Gly837Ter (NM_001353949.2, NM_001353950.2, NM_001353951.2 and 2 more transcripts); c.2506G>T, p.Gly836Ter (NM_001353954.2, NM_001353955.2); c.2455G>T, p.Gly819Ter (NM_001353960.2); c.100G>T, p.Gly34Ter (NM_001353961.2); short protein forms G34*, G819*, G820*, G836*, G837*, G848*.
Identifiers: ClinVar variation 1341523 (VCV001341523.3), dbSNP rs1553542262, ClinGen allele CA349062497.